The following is an entry in ClinVar:

ClinVar aggregate classification (germline): Uncertain significance (1 of 4 stars; one submission).

Conditions:
Aortic aneurysm, familial thoracic 4 (AAT4). Also called: AORTIC ANEURYSM/AORTIC DISSECTION AND PATENT DUCTUS ARTERIOSUS. Identifiers: MedGen C1851504, MONDO:0007568, OMIM 132900.

Submission:

Labcorp Genetics (formerly Invitae), Labcorp
Classification: Uncertain significance for Aortic aneurysm, familial thoracic 4. Last evaluated: 2020-07-21. Review status: criteria provided, single submitter. Criteria: Invitae Variant Classification Sherloc (09022015). Collection method: clinical testing. Allele origin: germline.
Comment: This sequence change replaces asparagine with serine at codon 1031 of the MYH11 protein (p.Asn1031Ser). The asparagine residue is highly conserved and there is a small physicochemical difference between asparagine and serine. This variant is not present in population databases (ExAC no frequency). This variant has been observed in individual(s) with thoracic aortic aneurysm and dissection (Invitae). Algorithms developed to predict the effect of missense changes on protein structure and function are either unavailable or do not agree on the potential impact of this missense change (SIFT: "Deleterious"; PolyPhen-2: "Probably Damaging"; Align-GVGD: "Class C0"). In summary, the available evidence is currently insufficient to determine the role of this variant in disease. Therefore, it has been classified as a Variant of Uncertain Significance.

NM_002474.3(MYH11):c.3071A>G (p.Asn1024Ser)

Gene: MYH11 (myosin heavy chain 11; minus strand). Cytogenetic location: 16p13.11.
Variant type: single nucleotide variant.
Coding change: c.3071A>G on transcript NM_002474.3 (MANE Select); coding-DNA position 3071, A replaced by G.
Protein change: p.Asn1024Ser; replaces asparagine 1024 with serine.
Molecular consequence: missense variant.
Genome position (GRCh38, 1-based): chr16:15,738,615, T>C on the plus strand (A>G on the coding strand, the complement: MYH11 is on the minus strand). VCF-style: chr16-15738615-T-C. GRCh37 (hg19) VCF-style: chr16-15832472-T-C.
Other names: c.3092A>G, p.Asn1031Ser (NM_001040113.2, NM_001040114.2); c.3071A>G, p.Asn1024Ser (NM_022844.3); short protein forms N1024S, N1031S.
Identifiers: ClinVar variation 1059907 (VCV001059907.9), dbSNP rs2151245961, ClinGen allele CA394863778.